The following is an entry in ClinVar:

NM_001759.4(CCND2):c.838A>G (p.Thr280Ala)

Gene: CCND2 (cyclin D2; plus strand). Cytogenetic location: 12p13.32.
Variant type: single nucleotide variant.
Coding change: c.838A>G on transcript NM_001759.4 (MANE Select); coding-DNA position 838, A replaced by G.
Protein change: p.Thr280Ala; replaces threonine 280 with alanine.
Molecular consequence: missense variant.
Genome position (GRCh38, 1-based): chr12:4,299,977, A>G. VCF-style: chr12-4299977-A-G. GRCh37 (hg19) VCF-style: chr12-4409143-A-G.
Other names: short protein forms T280A.
Identifiers: ClinVar variation 143981 (VCV000143981.15), dbSNP rs587777618, ClinGen allele CA170548.
Genomic context (GRCh38, chr12:4,299,977, plus strand): 5'-CAGTACCGTCAGGACCAACGTGACGGATCCAAGTCGGAGGATGAACTGGACCAAGCCAGC[A>G]CCCCTACAGACGTGCGGGATATCGACCTGTGAGGATGCCAGTTGGGCCGAAAGAGAGAGA-3'
Protein context (NP_001750.1, residues 270-289): KSEDELDQAS[Thr280Ala]PTDVRDIDL

ClinVar aggregate classification (germline): Pathogenic. Review status: criteria provided, multiple submitters, no conflicts (2 of 4 stars). 8 submissions from 8 submitters: Pathogenic (6). 2 of the submissions do not count toward it. Last evaluated 2025-01-13.

Conditions:
CCND2-related disorder. Also called: CCND2-related condition.
Inborn genetic diseases. Identifiers: MedGen C0950123, MeSH D030342.
Megalencephaly-polymicrogyria-polydactyly-hydrocephalus syndrome 3 (MPPH3). Identifiers: Orphanet 83473, MedGen C4014742, MONDO:0014408, OMIM 615938.

Submissions (8):

Labcorp Genetics (formerly Invitae), Labcorp
Classification: Pathogenic. Last evaluated: 2025-01-13. Review status: criteria provided, single submitter. Criteria: Invitae Variant Classification Sherloc (09022015). Collection method: clinical testing. Allele origin: germline.
Comment: This sequence change replaces threonine, which is neutral and polar, with alanine, which is neutral and non-polar, at codon 280 of the CCND2 protein (p.Thr280Ala). This variant is not present in population databases (gnomAD no frequency). This missense change has been observed in individual(s) with megalencephaly-polymicrogyria-polydactyly-hydrocephalus syndrome (PMID: 24705253). In at least one individual the variant was observed to be de novo. ClinVar contains an entry for this variant (Variation ID: 143981). Invitae Evidence Modeling of protein sequence and biophysical properties (such as structural, functional, and spatial information, amino acid conservation, physicochemical variation, residue mobility, and thermodynamic stability) indicates that this missense variant is expected to disrupt CCND2 protein function with a positive predictive value of 95%. This variant disrupts the p.Thr280 amino acid residue in CCND2. Other variant(s) that disrupt this residue have been determined to be pathogenic (PMID: 31056854). This suggests that this residue is clinically significant, and that variants that disrupt this residue are likely to be disease-causing. For these reasons, this variant has been classified as Pathogenic.

GeneDx
Classification: Pathogenic. Last evaluated: 2023-09-05. Review status: criteria provided, single submitter. Criteria: GeneDx Variant Classification Process June 2021. Collection method: clinical testing. Allele origin: germline. Affected: yes.
Comment: Published functional studies demonstrate increased cell growth in AML cell lines and increased proliferation and maintenance of embryonic murine brain progenitor cells (Eisfeld et al., 2017; Mirzaa et al., 2014); In silico analysis supports that this missense variant has a deleterious effect on protein structure/function; Not observed in large population cohorts (gnomAD); This variant is associated with the following publications: (PMID: 28502730, 26520804, 27854409, 27843138, 24705253, 37435984, 28630439)

Clinical Genetics Laboratory, Skane University Hospital Lund
Classification: Pathogenic. Last evaluated: 2022-07-13. Review status: criteria provided, single submitter. Criteria: ACMG Guidelines, 2015. Collection method: clinical testing. Allele origin: germline. Affected: yes.

Blueprint Genetics
Classification: Pathogenic for CCND2-related disorders. Last evaluated: 2021-08-19. Review status: criteria provided, single submitter. Criteria: ACMG Guidelines, 2015. Collection method: clinical testing. Allele origin: germline. Affected: yes. Observed: 2 variant alleles.

Revvity Omics, Revvity
Classification: Pathogenic for Megalencephaly-polymicrogyria-polydactyly-hydrocephalus syndrome 3. Last evaluated: 2021-05-27. Review status: criteria provided, single submitter. Criteria: ACMG Guidelines, 2015. Collection method: clinical testing. Allele origin: germline.

Ambry Genetics
Classification: Pathogenic for Inborn genetic diseases. Last evaluated: 2017-10-09. Review status: criteria provided, single submitter. Criteria: Ambry exome assertion method (8-5-2015). Collection method: clinical testing. Allele origin: germline. Affected: yes. Observed: 1 variant allele.

OMIM
Classification: Pathogenic for MEGALENCEPHALY-POLYMICROGYRIA-POLYDACTYLY-HYDROCEPHALUS SYNDROME 3. Last evaluated: 2014-05-01. Review status: no assertion criteria provided. Collection method: literature only. Allele origin: germline. Not counted in ClinVar's aggregate classification.

GeneReviews
No classification provided. Condition: Megalencephaly-polymicrogyria-polydactyly-hydrocephalus syndrome 3. Review status: no classification provided. Collection method: literature only. Allele origin: germline. Affected: yes. Not counted in ClinVar's aggregate classification.

Literature cited by the submitters: PubMed 24705253 (cited by 3 submitters); PubMed 31056854 (cited by Labcorp Genetics (formerly Invitae), Labcorp); PubMed 17486076 (cited by Ambry Genetics); PubMed 26795593 (cited by Ambry Genetics); NCBI Bookshelf NBK396098 (cited by GeneReviews).